The following is an entry in ClinVar:

NM_017617.5(NOTCH1):c.6870C>T (p.Ser2290=)

Gene: NOTCH1 (notch receptor 1; minus strand). Cytogenetic location: 9q34.3.
Variant type: single nucleotide variant.
Coding change: c.6870C>T on transcript NM_017617.5 (MANE Select); coding-DNA position 6870, C replaced by T.
Protein change: p.Ser2290=; no amino-acid change (serine 2290 retained).
Molecular consequence: synonymous variant.
Genome position (GRCh38, 1-based): chr9:136,496,869, G>A on the plus strand (C>T on the coding strand, the complement: NOTCH1 is on the minus strand). VCF-style: chr9-136496869-G-A. GRCh37 (hg19) VCF-style: chr9-139391321-G-A.
Other names: p.Ser2290=; c.6870C>T, p.Ser2290= (LRG_1122t1); c.6870C>T (NM_017617.4).
Identifiers: ClinVar variation 241163 (VCV000241163.54), dbSNP rs61751488, ClinGen allele CA5339802.

ClinVar aggregate classification (germline): Benign/Likely benign. Review status: criteria provided, multiple submitters, no conflicts (2 of 4 stars). 16 submissions from 15 submitters: Benign (8); Likely benign (4). 4 of the submissions do not count toward it. Last evaluated 2026-06-01.

Conditions:
NOTCH1-related disorder. Also called: NOTCH1-related disorders; NOTCH1-related condition.
Adams-Oliver syndrome 5 (AOS5). Identifiers: Orphanet 974, MedGen C4014970, MONDO:0014459, OMIM 616028.
Familial thoracic aortic aneurysm and aortic dissection (TAAD). Also called: Thoracic aortic aneurysms and dissections. Identifiers: Orphanet 91387, MedGen C4707243, MONDO:0019625.
Aortic valve disease 1 (AOVD1). Identifiers: MedGen C3887892, MONDO:0024523, OMIM 109730.

Allele frequency attached by ClinVar (database versions not stated): gnomAD 0.00398 and 0.00369; 1000 Genomes Project 0.00439; TOPMed 0.00465; gnomAD exomes 0.00260 and 0.00367; ExAC 0.00278; ESP Exome Variant Server 0.00330; 1000 Genomes Project 30x 0.00390.
gnomAD v4.1: 5,879 of 1,612,896 alleles (0.36%); highest among the groups gnomAD compares: African/African-American, 0.61%; 10 homozygotes.

Submissions (16):

CeGaT Center for Human Genetics Tuebingen
Classification: Likely benign. Last evaluated: 2026-06-01. Review status: criteria provided, single submitter. Criteria: CeGaT Center For Human Genetics Tuebingen Variant Classification Criteria Version 2. Collection method: clinical testing. Allele origin: germline. Affected: yes. Observed: 15 variant alleles.
Comment: NOTCH1: BP4, BP7

Labcorp Genetics (formerly Invitae), Labcorp
Classification: Benign for Adams-Oliver syndrome 5. Last evaluated: 2026-02-04. Review status: criteria provided, single submitter. Criteria: Invitae Variant Classification Sherloc (09022015). Collection method: clinical testing. Allele origin: germline.

Mayo Clinic Laboratories, Mayo Clinic
Classification: Likely benign. Last evaluated: 2025-05-08. Review status: criteria provided, single submitter. Criteria: ACMG Guidelines, 2015. Collection method: clinical testing. Allele origin: germline. Observed: 8 variant alleles.
Comment: BS1, BP4, BP7

ARUP Laboratories, Molecular Genetics and Genomics, ARUP Laboratories
Classification: Benign. Last evaluated: 2025-04-07. Review status: criteria provided, single submitter. Criteria: ARUP Molecular Germline Variant Investigation Process 2024. Collection method: clinical testing. Allele origin: germline.

Blueprint Genetics
Classification: Benign. Last evaluated: 2024-11-13. Review status: criteria provided, single submitter. Criteria: ACMG Guidelines, 2015. Collection method: clinical testing. Allele origin: germline.

Women's Health and Genetics/Laboratory Corporation of America, LabCorp
Classification: Benign. Last evaluated: 2023-04-10. Review status: criteria provided, single submitter. Criteria: LabCorp Variant Classification Summary - May 2015. Collection method: clinical testing. Allele origin: germline.

Genome-Nilou Lab
Classification: Benign for Adams-Oliver syndrome 5. Last evaluated: 2022-03-15. Review status: criteria provided, single submitter. Criteria: ACMG Guidelines, 2015. Collection method: clinical testing. Allele origin: germline. Affected: no.

Genome-Nilou Lab
Classification: Benign for Aortic valve disease 1. Last evaluated: 2022-03-15. Review status: criteria provided, single submitter. Criteria: ACMG Guidelines, 2015. Collection method: clinical testing. Allele origin: germline. Affected: no.

CHEO Genetics Diagnostic Laboratory, Children's Hospital of Eastern Ontario
Classification: Benign for Familial thoracic aortic aneurysm and aortic dissection. Last evaluated: 2017-06-30. Review status: criteria provided, single submitter. Criteria: ACMG Guidelines, 2015. Collection method: clinical testing. Allele origin: germline. Study: Canadian Open Genetics Repository.

GeneDx
Classification: Benign. Last evaluated: 2016-10-27. Review status: criteria provided, single submitter. Criteria: GeneDx Variant Classification (06012015). Collection method: clinical testing. Allele origin: germline. Affected: yes.
Comment: This variant is considered likely benign or benign based on one or more of the following criteria: it is a conservative change, it occurs at a poorly conserved position in the protein, it is predicted to be benign by multiple in silico algorithms, and/or has population frequency not consistent with disease.

Ambry Genetics
Classification: Likely benign for Familial thoracic aortic aneurysm and aortic dissection. Last evaluated: 2015-05-11. Review status: criteria provided, single submitter. Criteria: Ambry Variant Classification Scheme 2023. Collection method: clinical testing. Allele origin: germline.

Breakthrough Genomics
Classification: Likely benign. Review status: criteria provided, single submitter. Criteria: ACMG Guidelines, 2015. Collection method: not provided. Allele origin: germline. Inheritance: Autosomal dominant inheritance. Affected: yes.

PreventionGenetics, part of Exact Sciences
Classification: Benign for NOTCH1-related condition. Last evaluated: 2019-04-30. Review status: no assertion criteria provided. Collection method: clinical testing. Allele origin: germline. Not counted in ClinVar's aggregate classification.
Comment: This variant is classified as benign based on ACMG/AMP sequence variant interpretation guidelines (Richards et al. 2015 PMID: 25741868, with internal and published modifications).

Clinical Genetics DNA and cytogenetics Diagnostics Lab, Erasmus MC, Erasmus Medical Center
Classification: Likely benign. Review status: no assertion criteria provided. Collection method: clinical testing. Allele origin: germline. Affected: yes. Study: VKGL Data-share Consensus. Not counted in ClinVar's aggregate classification.

Genome Diagnostics Laboratory, Amsterdam University Medical Center
Classification: Benign. Review status: no assertion criteria provided. Collection method: clinical testing. Allele origin: germline. Affected: yes. Study: VKGL Data-share Consensus. Not counted in ClinVar's aggregate classification.

Joint Genome Diagnostic Labs from Nijmegen and Maastricht, Radboudumc and MUMC+
Classification: Benign. Review status: no assertion criteria provided. Collection method: clinical testing. Allele origin: germline. Affected: yes. Study: VKGL Data-share Consensus. Not counted in ClinVar's aggregate classification.

Literature cited by the submitters: PubMed 24943832 (cited by Women's Health and Genetics/Laboratory Corporation of America, LabCorp); PubMed 16614245 (cited by Women's Health and Genetics/Laboratory Corporation of America, LabCorp); PubMed 21670202 (cited by Women's Health and Genetics/Laboratory Corporation of America, LabCorp); PubMed 22210878 (cited by Women's Health and Genetics/Laboratory Corporation of America, LabCorp); PubMed 19635999 (cited by Women's Health and Genetics/Laboratory Corporation of America, LabCorp); PubMed 26837699 (cited by Women's Health and Genetics/Laboratory Corporation of America, LabCorp); PubMed 23086750 (cited by Women's Health and Genetics/Laboratory Corporation of America, LabCorp); PubMed 19245433 (cited by Women's Health and Genetics/Laboratory Corporation of America, LabCorp); PubMed 22077063 (cited by Women's Health and Genetics/Laboratory Corporation of America, LabCorp); PubMed 15472075 (cited by Women's Health and Genetics/Laboratory Corporation of America, LabCorp); PubMed 23734977 (cited by Women's Health and Genetics/Laboratory Corporation of America, LabCorp); PubMed 22858860 (cited by Women's Health and Genetics/Laboratory Corporation of America, LabCorp).